The following is an entry in ClinVar:

NM_001379659.1(ZNF142):c.3137G>T (p.Arg1046Leu)

Gene: ZNF142 (zinc finger protein 142; minus strand). Cytogenetic location: 2q35.
Variant type: single nucleotide variant.
Coding change: c.3137G>T on transcript NM_001379659.1 (MANE Select); coding-DNA position 3137, G replaced by T.
Protein change: p.Arg1046Leu; replaces arginine 1046 with leucine.
Molecular consequence: missense variant.
Genome position (GRCh38, 1-based): chr2:218,643,979, C>A on the plus strand (G>T on the coding strand, the complement: ZNF142 is on the minus strand). VCF-style: chr2-218643979-C-A. GRCh37 (hg19) VCF-style: chr2-219508702-C-A.
Other names: c.2048G>T, p.Arg683Leu (NM_001366288.3, NM_001366289.3, NM_001366287.3); c.3137G>T, p.Arg1046Leu (NM_001366290.3, NM_001379660.1, NM_001379661.1); c.2537G>T, p.Arg846Leu (NM_001366291.3, NM_001105537.5, NM_001379662.1); short protein forms R1046L, R683L, R846L.
Identifiers: ClinVar variation 3905593 (VCV003905593.10).
Genomic context (GRCh38, chr2:218,643,979, plus strand): 5'-AGGGGCTCTCGGCGGCCTTGGCACCCAGTCCTGGAGTGCAGATTCAGGGCCTTCTCCCGG[C>A]GAGTGATAAAAGGGCAGTGTGGGCAGCGGAAGGCTCGCCCCTCTCCCTGGATCACTACCA-3'
Protein context (NP_001366588.1, residues 1036-1056): FRCPHCPFIT[Arg1046Leu]REKALNLHSR

ClinVar aggregate classification (germline): Uncertain significance (1 of 4 stars; one submission).

gnomAD v4.1: 1 of 1,614,130 alleles (0.000062%); highest among the groups gnomAD compares: South Asian, 0.0011%; no homozygotes.

Submission:

CeGaT Center for Human Genetics Tuebingen
Classification: Uncertain significance. Last evaluated: 2025-05-01. Review status: criteria provided, single submitter. Criteria: CeGaT Center For Human Genetics Tuebingen Variant Classification Criteria Version 2. Collection method: clinical testing. Allele origin: germline. Affected: yes. Observed: 1 variant allele.
Comment: ZNF142: PM2, PM3:Supporting